The following is an entry in ClinVar:

ClinVar aggregate classification (germline): Pathogenic (1 of 4 stars; one submission).

Conditions:
Peroxisome biogenesis disorder 11A (Zellweger). Also called: Peroxisome biogenesis disorder 11A. Identifiers: Orphanet 912, MedGen C3554000, MONDO:0013949, OMIM 614883.

Submission:

Labcorp Genetics (formerly Invitae), Labcorp
Classification: Pathogenic for Peroxisome biogenesis disorder 11A (Zellweger). Last evaluated: 2026-01-05. Review status: criteria provided, single submitter. Criteria: Invitae Variant Classification Sherloc (09022015). Collection method: clinical testing. Allele origin: germline.
Comment: This sequence change creates a premature translational stop signal (p.Phe182*) in the PEX13 gene. It is expected to result in an absent or disrupted protein product. Loss-of-function variants in PEX13 are known to be pathogenic (PMID: 10332040, 21031596). This variant is not present in population databases (gnomAD no frequency). This variant has not been reported in the literature in individuals affected with PEX13-related conditions. For these reasons, this variant has been classified as Pathogenic.

Literature cited by the submitters: PubMed 10332040; PubMed 21031596.

NM_002618.4(PEX13):c.544_545insAAT (p.Phe182Ter)

Gene: PEX13 (peroxisomal biogenesis factor 13; plus strand). Cytogenetic location: 2p15.
Variant type: Insertion.
Coding change: c.544_545insAAT on transcript NM_002618.4 (MANE Select); coding-DNA positions 544 to 545, AAT inserted.
Protein change: p.Phe182Ter; replaces phenylalanine 182 with a stop codon.
Molecular consequence: nonsense.
Genome position: GRCh38 VCF-style: chr2-61031869-T-TTAA. GRCh37 (hg19) VCF-style: chr2-61259004-T-TTAA.
Other names: short protein forms F182*.
Identifiers: ClinVar variation 4722094 (VCV004722094.1).